The following is an entry in ClinVar:

NM_017534.6(MYH2):c.1622G>A (p.Cys541Tyr)

Genes: MYH2 (myosin heavy chain 2; minus strand), MYHAS (myosin heavy chain gene cluster antisense RNA; plus strand). Cytogenetic location: 17p13.1.
Variant type: single nucleotide variant.
Coding change: c.1622G>A on transcript NM_017534.6 (MANE Select); coding-DNA position 1622, G replaced by A.
Protein change: p.Cys541Tyr; replaces cysteine 541 with tyrosine.
Molecular consequence: missense variant.
Genome position (GRCh38, 1-based): chr17:10,537,508, C>T on the plus strand (G>A on the coding strand, the complement: MYH2 is on the minus strand). VCF-style: chr17-10537508-C-T. GRCh37 (hg19) VCF-style: chr17-10440825-C-T.
Other names: c.1622G>A, p.Cys541Tyr (NM_001100112.2); c.1622G>A (NM_017534.5); short protein forms C541Y.
Identifiers: ClinVar variation 2754649 (VCV002754649.4), dbSNP rs2508451888, ClinGen allele CA398156362.

ClinVar aggregate classification (germline): Uncertain significance. Review status: criteria provided, multiple submitters, no conflicts (2 of 4 stars). 2 submissions from 2 submitters: Uncertain significance (2). Last evaluated 2024-02-03.

Conditions:
Myopathy, proximal, and ophthalmoplegia (CMYO6). Also called: CONGENITAL MYOPATHY 6 WITH OPHTHALMOPLEGIA; INCLUSION BODY MYOPATHY 3, AUTOSOMAL DOMINANT; MYOPATHY WITH CONGENITAL JOINT CONTRACTURES, OPHTHALMOPLEGIA, AND RIMMED VACUOLES. Identifiers: Orphanet 363677, Orphanet 79091, MedGen C1854106, MONDO:0011577, OMIM 605637.

Submissions (2):

Labcorp Genetics (formerly Invitae), Labcorp
Classification: Uncertain significance for Myopathy, proximal, and ophthalmoplegia. Last evaluated: 2024-02-03. Review status: criteria provided, single submitter. Criteria: Invitae Variant Classification Sherloc (09022015). Collection method: clinical testing. Allele origin: germline.
Comment: This sequence change replaces cysteine, which is neutral and slightly polar, with tyrosine, which is neutral and polar, at codon 541 of the MYH2 protein (p.Cys541Tyr). This variant is not present in population databases (gnomAD no frequency). This variant has not been reported in the literature in individuals affected with MYH2-related conditions. Advanced modeling of protein sequence and biophysical properties (such as structural, functional, and spatial information, amino acid conservation, physicochemical variation, residue mobility, and thermodynamic stability) performed at Invitae indicates that this missense variant is expected to disrupt MYH2 protein function with a positive predictive value of 80%. In summary, the available evidence is currently insufficient to determine the role of this variant in disease. Therefore, it has been classified as a Variant of Uncertain Significance.

GeneDx
Classification: Uncertain significance. Last evaluated: 2024-01-10. Review status: criteria provided, single submitter. Criteria: GeneDx Variant Classification Process June 2021. Collection method: clinical testing. Allele origin: germline. Affected: yes.
Comment: Not observed at significant frequency in large population cohorts (gnomAD); In silico analysis supports that this missense variant has a deleterious effect on protein structure/function; Has not been previously published as pathogenic or benign to our knowledge